The following is an entry in ClinVar:

NM_015409.5(EP400):c.8157GCA[6] (p.Gln2748del)

Gene: EP400 (E1A binding protein p400; plus strand). Cytogenetic location: 12q24.33.
Variant type: Microsatellite.
Coding change: c.8157GCA[6] on transcript NM_015409.5 (MANE Select); six copies in a row of the 3-base unit GCA starting at c.8157; the reference has seven copies in a row; one copy, 3 bases deleted.
Protein change: p.Gln2748del; deletes glutamine 2748.
Genome position (GRCh38, 1-based): chr12:132,062,542-132,062,544, GCA deleted; deleting any 3 consecutive bases within chr12:132,062,524-132,062,544 gives the same sequence; the position shown is the placement nearest the transcript's 3' end. VCF-style (leftmost placement, unchanged base first): chr12-132062523-GGCA-G. GRCh37 (hg19) VCF-style: chr12-132547068-GGCA-G.
Other names: short protein forms Q2748del.
Identifiers: ClinVar variation 3034043 (VCV003034043.2), dbSNP rs68030464, ClinGen allele CA6887003.

ClinVar aggregate classification (germline): Benign (0 of 4 stars; one submission).

Conditions:
EP400-related disorder. Also called: EP400-related condition.

Submission:

PreventionGenetics, part of Exact Sciences
Classification: Benign for EP400-related condition. Last evaluated: 2019-02-26. Review status: no assertion criteria provided. Collection method: clinical testing. Allele origin: germline.
Comment: This variant is classified as benign based on ACMG/AMP sequence variant interpretation guidelines (Richards et al. 2015 PMID: 25741868, with internal and published modifications).